The following is an entry in ClinVar:

ClinVar aggregate classification (germline): Conflicting classifications of pathogenicity. Review status: criteria provided, conflicting classifications (1 of 4 stars). 3 submissions from 3 submitters: Uncertain significance (1); Likely benign (2). Last evaluated 2026-02-02.

Conditions:
CACNA1D-related disorder.

Submissions (3):

Labcorp Genetics (formerly Invitae), Labcorp
Classification: Likely benign. Last evaluated: 2026-02-02. Review status: criteria provided, single submitter. Criteria: Invitae Variant Classification Sherloc (09022015). Collection method: clinical testing. Allele origin: germline.

PreventionGenetics, part of Exact Sciences
Classification: Likely benign for CACNA1D-related condition. Last evaluated: 2024-12-10. Review status: criteria provided, single submitter. Criteria: ACMG Guidelines, 2015. Collection method: clinical testing. Allele origin: germline.
Comment: This variant is classified as likely benign based on ACMG/AMP sequence variant interpretation guidelines (Richards et al. 2015 PMID: 25741868, with internal and published modifications).

Blueprint Genetics
Classification: Uncertain significance. Last evaluated: 2024-10-02. Review status: criteria provided, single submitter. Criteria: ACMG Guidelines, 2015. Collection method: clinical testing. Allele origin: germline.

NM_001128840.3(CACNA1D):c.4111-9_4111-7del

Gene: CACNA1D (calcium voltage-gated channel subunit alpha1 D; plus strand). Cytogenetic location: 3p21.1.
Variant type: Deletion.
Coding change: c.4111-9_4111-7del on transcript NM_001128840.3 (MANE Select); 9 bases into the intron before coding-DNA position 4111 through 7 bases into the intron before coding-DNA position 4111, 3 bases deleted (TCC; older notation c.4111-9_4111-7delTCC).
Molecular consequence: intron variant.
Genome position (GRCh38, 1-based): chr3:53,774,578-53,774,580, TCC deleted; deleting any 3 consecutive bases within chr3:53,774,577-53,774,580 gives the same sequence; the c. name uses the placement nearest the transcript's 3' end. VCF-style (leftmost placement, unchanged base first): chr3-53774576-TCTC-T. GRCh37 (hg19) VCF-style: chr3-53808603-TCTC-T.
Other names: c.4171-9_4171-7delTCC (NM_000720.3); c.4066-9_4066-7del (NM_001128839.3); c.4171-9_4171-7del (NM_000720.4).
Identifiers: ClinVar variation 2414798 (VCV002414798.8), dbSNP rs748344404, ClinGen allele CA2454812.